The following is an entry in ClinVar:

NM_001015878.2(AURKC):c.235A>G (p.Ile79Val)

Gene: AURKC (aurora kinase C; plus strand). Cytogenetic location: 19q13.43.
Variant type: single nucleotide variant.
Coding change: c.235A>G on transcript NM_001015878.2 (MANE Select); coding-DNA position 235, A replaced by G.
Protein change: p.Ile79Val; replaces isoleucine 79 with valine.
Molecular consequence: missense variant.
Genome position (GRCh38, 1-based): chr19:57,232,163, A>G. VCF-style: chr19-57232163-A-G. GRCh37 (hg19) VCF-style: chr19-57743531-A-G.
Other names: c.178A>G, p.Ile60Val (NM_001015879.2); c.133A>G, p.Ile45Val (NM_003160.3); short protein forms I45V, I60V, I79V.
Identifiers: ClinVar variation 893063 (VCV000893063.6), dbSNP rs61736320, ClinGen allele CA9695903.
Genomic context (GRCh38, chr19:57,232,163, plus strand): 5'-CTGGCTCGGCTCAAGGAAAGCCATTTCATTGTGGCCCTGAAGGTTCTCTTCAAGTCGCAG[A>G]TAGAGAAGGAAGGACTGGAGCACCAGCTGCGCCGGGAAATTGAGATCCAGGCTCATCTAC-3'
Protein context (NP_001015878.1, residues 69-89): VALKVLFKSQ[Ile79Val]EKEGLEHQLR

ClinVar aggregate classification (germline): Benign. Review status: criteria provided, single submitter (1 of 4 stars). 2 submissions from 2 submitters: Benign (1). 1 of the submissions does not count toward it. Last evaluated 2017-04-28.

Conditions:
Infertility associated with multi-tailed spermatozoa and excessive DNA (SPGF5). Also called: Male Infertility with Large-Headed, Multiflagellar, Polyploid Spermatozoa; spermatogenic failure 5. Identifiers: Orphanet 137893, MedGen C0403812, MONDO:0009461, OMIM 243060.
AURKC-related disorder. Also called: AURKC-related condition.

Allele frequency attached by ClinVar (database versions not stated): gnomAD exomes 0.00018 and 0.00045; ExAC 0.00050; gnomAD 0.00168 and 0.00180; TOPMed 0.00184; 1000 Genomes Project 30x 0.00187; ESP Exome Variant Server 0.00215; 1000 Genomes Project 0.00220.
gnomAD v4.1: 539 of 1,614,124 alleles (0.033%); highest among the groups gnomAD compares: African/African-American, 0.65%; 3 homozygotes.

Submissions (2):

Illumina Laboratory Services, Illumina
Classification: Benign for Infertility associated with multi-tailed spermatozoa and excessive DNA. Last evaluated: 2017-04-28. Review status: criteria provided, single submitter. Criteria: ICSL Variant Classification Criteria 13 December 2019. Collection method: clinical testing. Allele origin: germline.
Comment: This variant was observed as part of a predisposition screen in an ostensibly healthy population. A literature search was performed for the gene, cDNA change, and amino acid change (where applicable). Publications were found based on this search. The evidence from the literature, in combination with allele frequency data from public databases where available, was sufficient to rule this variant out of causing disease. Therefore, this variant is classified as benign.

PreventionGenetics, part of Exact Sciences
Classification: Likely benign for AURKC-related condition. Last evaluated: 2019-10-04. Review status: no assertion criteria provided. Collection method: clinical testing. Allele origin: germline. Not counted in ClinVar's aggregate classification.
Comment: This variant is classified as likely benign based on ACMG/AMP sequence variant interpretation guidelines (Richards et al. 2015 PMID: 25741868, with internal and published modifications).

Literature cited by the submitters: PubMed 19147683 (cited by Illumina Laboratory Services, Illumina).